The following is an entry in ClinVar:

NM_015001.3(SPEN):c.1431G>A (p.Gln477=)

Gene: SPEN (spen family transcriptional repressor; plus strand). Cytogenetic location: 1p36.13.
Variant type: single nucleotide variant.
Coding change: c.1431G>A on transcript NM_015001.3 (MANE Select); coding-DNA position 1431, G replaced by A.
Protein change: p.Gln477=; no amino-acid change (glutamine 477 retained).
Molecular consequence: synonymous variant.
Genome position (GRCh38, 1-based): chr1:15,918,961, G>A. VCF-style: chr1-15918961-G-A. GRCh37 (hg19) VCF-style: chr1-16245456-G-A.
Identifiers: ClinVar variation 3044560 (VCV003044560.22), dbSNP rs146324760, ClinGen allele CA619061.

ClinVar aggregate classification (germline): Likely benign. Review status: criteria provided, single submitter (1 of 4 stars). 2 submissions from 2 submitters: Likely benign (1). 1 of the submissions does not count toward it. Last evaluated 2026-02-01.

Conditions:
SPEN-related disorder. Also called: SPEN-related condition.

Allele frequency attached by ClinVar (database versions not stated): 1000 Genomes Project 30x 0.00031; 1000 Genomes Project 0.00040; ExAC 0.00055; TOPMed 0.00068; gnomAD 0.00069; ESP Exome Variant Server 0.00077; gnomAD exomes 0.00097.
gnomAD v4.1: 1,501 of 1,610,976 alleles (0.093%); highest among the groups gnomAD compares: Non-Finnish European, 0.12%; 1 homozygote.

Submissions (2):

CeGaT Center for Human Genetics Tuebingen
Classification: Likely benign. Last evaluated: 2026-02-01. Review status: criteria provided, single submitter. Criteria: CeGaT Center For Human Genetics Tuebingen Variant Classification Criteria Version 2. Collection method: clinical testing. Allele origin: germline. Affected: yes. Observed: 9 variant alleles.
Comment: SPEN: BP4, BP7, BS1

PreventionGenetics, part of Exact Sciences
Classification: Likely benign for SPEN-related condition. Last evaluated: 2019-07-08. Review status: no assertion criteria provided. Collection method: clinical testing. Allele origin: germline. Not counted in ClinVar's aggregate classification.
Comment: This variant is classified as likely benign based on ACMG/AMP sequence variant interpretation guidelines (Richards et al. 2015 PMID: 25741868, with internal and published modifications).